The following is an entry in ClinVar:

NM_001733.7(C1R):c.571+1G>T

Gene: C1R (complement C1r; minus strand). Cytogenetic location: 12p13.31.
Variant type: single nucleotide variant.
Coding change: c.571+1G>T on transcript NM_001733.7 (MANE Select); the canonical splice donor site of the intron after coding-DNA position 571, G replaced by T.
Molecular consequence: splice donor variant.
Genome position (GRCh38, 1-based): chr12:7,089,586, C>A on the plus strand (G>T on the coding strand, the complement: C1R is on the minus strand). VCF-style: chr12-7089586-C-A. GRCh37 (hg19) VCF-style: chr12-7242182-C-A.
Other names: c.613+1G>T (NM_001354346.2).
Identifiers: ClinVar variation 4082607 (VCV004082607.1).

ClinVar aggregate classification (germline): Uncertain significance (1 of 4 stars; one submission).

Submission:

GeneDx
Classification: Uncertain significance. Last evaluated: 2025-03-02. Review status: criteria provided, single submitter. Criteria: GeneDx Variant Classification Process June 2021. Collection method: clinical testing. Allele origin: germline. Affected: yes.
Comment: Not observed at significant frequency in large population cohorts (gnomAD); Has not been previously published as pathogenic or benign to our knowledge; Canonical splice site variant in a gene for which loss-of-function is not an established mechanism of disease